The following is an entry in ClinVar:

NM_020297.4(ABCC9):c.2582A>G (p.Asp861Gly)

Gene: ABCC9 (ATP binding cassette subfamily C member 9; minus strand). Cytogenetic location: 12p12.1.
Variant type: single nucleotide variant.
Coding change: c.2582A>G on transcript NM_020297.4 (MANE Select); coding-DNA position 2582, A replaced by G.
Protein change: p.Asp861Gly; replaces aspartic acid 861 with glycine.
Molecular consequence: missense variant.
Genome position (GRCh38, 1-based): chr12:21,852,429, T>C on the plus strand (A>G on the coding strand, the complement: ABCC9 is on the minus strand). VCF-style: chr12-21852429-T-C. GRCh37 (hg19) VCF-style: chr12-22005363-T-C.
Other names: c.2582A>G, p.Asp861Gly (NM_001377273.1, NM_005691.4); c.1715A>G, p.Asp572Gly (NM_001377274.1); short protein forms D572G, D861G.
Identifiers: ClinVar variation 3252946 (VCV003252946.1), dbSNP rs776565800.
Genomic context (GRCh38, chr12:21,852,429, plus strand): 5'-CAGTCAGCATGCGTCAGATACTGTAATTTGTGAGTCACAAGAACGAGTGTCCTTTTGTCA[T>C]CTTGCAGGAATTTCAAAATCCCCTCCTGCATTAAATGATCACTCAAGTGAATGTCCAGGG-3'
Protein context (NP_064693.2, residues 851-871): MQEGILKFLQ[Asp861Gly]DKRTLVLVTH

ClinVar aggregate classification (germline): Uncertain significance (1 of 4 stars; one submission).

gnomAD v4.1: 2 of 1,613,932 alleles (0.00012%); no homozygotes.

Submission:

GeneDx
Classification: Uncertain significance. Last evaluated: 2024-02-11. Review status: criteria provided, single submitter. Criteria: GeneDx Variant Classification Process June 2021. Collection method: clinical testing. Allele origin: germline. Affected: yes.
Comment: Not observed at significant frequency in large population cohorts (gnomAD); In silico analysis supports that this missense variant has a deleterious effect on protein structure/function; Has not been previously published as pathogenic or benign to our knowledge